The following is an entry in ClinVar:

NM_001110219.3(GJB6):c.-296+269G>A

Gene: GJB6 (gap junction protein beta 6; minus strand). Cytogenetic location: 13q12.11.
Variant type: single nucleotide variant.
Coding change: c.-296+269G>A on transcript NM_001110219.3 (MANE Select); 269 bases into the intron after 296 bases upstream of the start codon, G replaced by A.
Molecular consequence: intron variant.
Genome position (GRCh38, 1-based): chr13:20,231,113, C>T on the plus strand (G>A on the coding strand, the complement: GJB6 is on the minus strand). VCF-style: chr13-20231113-C-T. GRCh37 (hg19) VCF-style: chr13-20805252-C-T.
Other names: c.-186+1081G>A (NM_001110221.3); c.-186+269G>A (NM_001370091.1, NM_001110220.3); c.-302+269G>A (NM_001370090.1); c.-296+269G>A (NM_001370092.1).
Identifiers: ClinVar variation 311399 (VCV000311399.29), dbSNP rs142230271, ClinGen allele CA10643953.
Genomic context (GRCh38, chr13:20,231,113, plus strand): 5'-AAGACGCTGCTGGATCCAAACAACAGACAAAGCTCTCCACAGGAGCAGTTCTGAGCAGCA[C>T]CCTGCAATTCTAAGGAGACTGCATGGGGGCAGGACATTTTCTTCTAGAACACTGGTTAGA-3'

ClinVar aggregate classification (germline): Likely benign. Review status: criteria provided, multiple submitters, no conflicts (2 of 4 stars). 2 submissions from 2 submitters: Likely benign (2). Last evaluated 2023-01-01.

Conditions:
Hidrotic ectodermal dysplasia syndrome (GJB6). Also called: Hidrotic ectodermal dysplasia; Ectodermal dysplasia 2, hidrotic; Autosomal dominant hidrotic ectodermal dysplasia; Clouston syndrome; Clouston's hidrotic ectodermal dysplasia; CLOUSTON HIDROTIC ECTODERMAL DYSPLASIA. Identifiers: Orphanet 189, MedGen C0162361, MONDO:0007510, OMIM 129500.

Allele frequency attached by ClinVar (database versions not stated): 1000 Genomes Project 30x 0.00344; gnomAD 0.00523 and 0.00513; TOPMed 0.00490; 1000 Genomes Project 0.00280.

Submissions (2):

CeGaT Center for Human Genetics Tuebingen
Classification: Likely benign. Last evaluated: 2023-01-01. Review status: criteria provided, single submitter. Criteria: CeGaT Center For Human Genetics Tuebingen Variant Classification Criteria Version 2. Collection method: clinical testing. Allele origin: germline. Affected: yes. Observed: 1 variant allele.
Comment: GJB6: BS1

Illumina Laboratory Services, Illumina
Classification: Likely benign for Hidrotic ectodermal dysplasia syndrome. Last evaluated: 2018-01-12. Review status: criteria provided, single submitter. Criteria: ICSL Variant Classification Criteria 13 December 2019. Collection method: clinical testing. Allele origin: germline.
Comment: This variant was observed in the ICSL laboratory as part of a predisposition screen in an ostensibly healthy population. It had not been previously curated by ICSL or reported in the Human Gene Mutation Database (HGMD: prior to June 1st, 2018), and was therefore a candidate for classification through an automated scoring system. Utilizing variant allele frequency, disease prevalence and penetrance estimates, and inheritance mode, an automated score was calculated to assess if this variant is too frequent to cause the disease. Based on the score and internal cut-off values, a variant classified as likely benign is not then subjected to further curation. The score for this variant resulted in a classification of likely benign for this disease.